The following is an entry in ClinVar:

ClinVar aggregate classification (germline): Uncertain significance. Review status: criteria provided, multiple submitters, no conflicts (2 of 4 stars). 2 submissions from 2 submitters: Uncertain significance (2). Last evaluated 2026-04-14.

Conditions:
Hereditary cancer-predisposing syndrome. Also called: Hereditary neoplastic syndrome; Neoplastic Syndromes, Hereditary; Hereditary Cancer Syndrome; Tumor predisposition. Identifiers: Orphanet 140162, MedGen C0027672, MeSH D009386, MONDO:0015356.
Gastrointestinal stromal tumor. Also called: Gastrointestinal stromal tumor, somatic; Gastrointestinal stroma tumor. Identifiers: Orphanet 44890, MedGen C0238198, MeSH D046152, MONDO:0011719, OMIM 606764, HP:0100723.

Submissions (2):

Ambry Genetics
Classification: Uncertain significance for Hereditary cancer-predisposing syndrome. Last evaluated: 2026-04-14. Review status: criteria provided, single submitter. Criteria: Ambry Variant Classification Scheme 2023. Collection method: clinical testing. Allele origin: germline.
Comment: The p.D1008G variant (also known as c.3023A>G), located in coding exon 21 of the PDGFRA gene, results from an A to G substitution at nucleotide position 3023. The aspartic acid at codon 1008 is replaced by glycine, an amino acid with similar properties. This amino acid position is highly conserved in available vertebrate species. In addition, the in silico prediction for this alteration is inconclusive. Based on the available evidence, the clinical significance of this variant remains unclear.

Labcorp Genetics (formerly Invitae), Labcorp
Classification: Uncertain significance for Gastrointestinal stromal tumor. Last evaluated: 2024-05-16. Review status: criteria provided, single submitter. Criteria: Invitae Variant Classification Sherloc (09022015). Collection method: clinical testing. Allele origin: germline.
Comment: This sequence change replaces aspartic acid, which is acidic and polar, with glycine, which is neutral and non-polar, at codon 1008 of the PDGFRA protein (p.Asp1008Gly). This variant is not present in population databases (gnomAD no frequency). This variant has not been reported in the literature in individuals affected with PDGFRA-related conditions. ClinVar contains an entry for this variant (Variation ID: 958776). An algorithm developed to predict the effect of missense changes on protein structure and function (PolyPhen-2) suggests that this variant is likely to be tolerated. In summary, the available evidence is currently insufficient to determine the role of this variant in disease. Therefore, it has been classified as a Variant of Uncertain Significance.

NM_006206.6(PDGFRA):c.3023A>G (p.Asp1008Gly)

Gene: PDGFRA (platelet derived growth factor receptor alpha; plus strand). Cytogenetic location: 4q12.
Variant type: single nucleotide variant.
Coding change: c.3023A>G on transcript NM_006206.6 (MANE Select); coding-DNA position 3023, A replaced by G.
Protein change: p.Asp1008Gly; replaces aspartic acid 1008 with glycine.
Molecular consequence: missense variant.
Genome position (GRCh38, 1-based): chr4:54,290,455, A>G. VCF-style: chr4-54290455-A-G. GRCh37 (hg19) VCF-style: chr4-55156622-A-G.
Other names: c.3098A>G, p.Asp1033Gly (NM_001347828.2); c.3023A>G, p.Asp1008Gly (NM_001347829.2); c.3062A>G, p.Asp1021Gly (NM_001347830.2); short protein forms D1008G, D1021G, D1033G.
Identifiers: ClinVar variation 958776 (VCV000958776.11), dbSNP rs1724571683, ClinGen allele CA356896210.